The following is an entry in ClinVar:

NM_206933.4(USH2A):c.9967del (p.Cys3323fs)

Gene: USH2A (usherin; minus strand). Cytogenetic location: 1q41.
Variant type: Deletion.
Coding change: c.9967del on transcript NM_206933.4 (MANE Select); coding-DNA position 9967, one base deleted (T; older notation c.9967delT).
Protein change: p.Cys3323fs; shifts the reading frame from cysteine 3323.
Molecular consequence: frameshift variant.
Genome position (GRCh38, 1-based): chr1:215,790,274, A deleted on the plus strand (T on the coding strand, the reverse complement: USH2A is on the minus strand). VCF-style (leftmost placement, unchanged base first): chr1-215790273-CA-C. GRCh37 (hg19) VCF-style: chr1-215963615-CA-C.
Other names: short protein forms C3323fs.
Identifiers: ClinVar variation 2861177 (VCV002861177.3), dbSNP rs2464420419, ClinGen allele CA2739275693.

ClinVar aggregate classification (germline): Pathogenic (1 of 4 stars; one submission).

Submission:

Labcorp Genetics (formerly Invitae), Labcorp
Classification: Pathogenic. Last evaluated: 2023-05-01. Review status: criteria provided, single submitter. Criteria: Invitae Variant Classification Sherloc (09022015). Collection method: clinical testing. Allele origin: germline.
Comment: For these reasons, this variant has been classified as Pathogenic. This variant has not been reported in the literature in individuals affected with USH2A-related conditions. This variant is not present in population databases (gnomAD no frequency). This sequence change creates a premature translational stop signal (p.Cys3323Valfs*7) in the USH2A gene. It is expected to result in an absent or disrupted protein product. Loss-of-function variants in USH2A are known to be pathogenic (PMID: 10729113, 10909849, 20507924, 25649381).

Literature cited by the submitters: PubMed 10729113; PubMed 10909849; PubMed 20507924; PubMed 25649381.